The following is an entry in ClinVar:

ClinVar aggregate classification (germline): Uncertain significance. Review status: criteria provided, multiple submitters, no conflicts (2 of 4 stars). 2 submissions from 2 submitters: Uncertain significance (2). Last evaluated 2025-02-23.

Conditions:
Inborn genetic diseases. Identifiers: MedGen C0950123, MeSH D030342.
Epidermolysis bullosa simplex with nail dystrophy (EBS5D). Identifiers: MedGen C4225309, MONDO:0014661, OMIM 616487.
Epidermolysis bullosa simplex 5B, with muscular dystrophy (EBS5B). Also called: EPIDERMOLYSIS BULLOSA SIMPLEX AND LIMB-GIRDLE MUSCULAR DYSTROPHY; Epidermolysis bullosa simplex with muscular dystrophy. Identifiers: Orphanet 257, MedGen C2931072, MONDO:0009181, OMIM 226670.
Epidermolysis bullosa simplex, Ogna type (EBS5A). Also called: Pidermolysis bullosa simplex 5A, Ogna type; EPIDERMOLYSIS BULLOSA SIMPLEX 5A, OGNA TYPE. Identifiers: Orphanet 79401, MedGen C0432317, MONDO:0007555, OMIM 131950.
Autosomal recessive limb-girdle muscular dystrophy type 2Q (LGMDR17). Also called: MUSCULAR DYSTROPHY, LIMB-GIRDLE, AUTOSOMAL RECESSIVE 17. Identifiers: Orphanet 254361, MedGen C3150989, MONDO:0013390, OMIM 613723.
Epidermolysis bullosa simplex 5C, with pyloric atresia (EBS5C). Also called: Epidermolysis bullosa simplex with pyloric atresia; PLEC-Related Epidermolysis Bullosa with Pyloric Atresia; PLEC1-Related Epidermolysis Bullosa with Pyloric Atresia. Identifiers: Orphanet 158684, MedGen C2677349, MONDO:0012807, OMIM 612138.

Allele frequency attached by ClinVar (database versions not stated): gnomAD exomes 0.00001; gnomAD 0.00002; TOPMed 0.00002; ExAC 0.00005; ESP Exome Variant Server 0.00016.
gnomAD v4.1: 21 of 1,612,540 alleles (0.0013%); highest among the groups gnomAD compares: Middle Eastern, 0.033%; no homozygotes.

Submissions (2):

Labcorp Genetics (formerly Invitae), Labcorp
Classification: Uncertain significance for Autosomal recessive limb-girdle muscular dystrophy type 2Q; Epidermolysis bullosa simplex, Ogna type; Epidermolysis bullosa simplex with nail dystrophy; Epidermolysis bullosa simplex 5C, with pyloric atresia; Epidermolysis bullosa simplex 5B, with muscular dystrophy. Last evaluated: 2025-02-23. Review status: criteria provided, single submitter. Criteria: Invitae Variant Classification Sherloc (09022015). Collection method: clinical testing. Allele origin: germline.
Comment: This sequence change replaces glutamic acid, which is acidic and polar, with glutamine, which is neutral and polar, at codon 643 of the PLEC protein (p.Glu643Gln). This variant is present in population databases (rs374446764, gnomAD 0.007%). This variant has not been reported in the literature in individuals affected with PLEC-related conditions. ClinVar contains an entry for this variant (Variation ID: 2161059). Invitae Evidence Modeling of protein sequence and biophysical properties (such as structural, functional, and spatial information, amino acid conservation, physicochemical variation, residue mobility, and thermodynamic stability) indicates that this missense variant is not expected to disrupt PLEC protein function with a negative predictive value of 80%. In summary, the available evidence is currently insufficient to determine the role of this variant in disease. Therefore, it has been classified as a Variant of Uncertain Significance.

Ambry Genetics
Classification: Uncertain significance for Inborn genetic diseases. Last evaluated: 2024-11-13. Review status: criteria provided, single submitter. Criteria: Ambry Variant Classification Scheme 2023. Collection method: clinical testing. Allele origin: germline.

NM_201384.3(PLEC):c.1846G>C (p.Glu616Gln)

Gene: PLEC (plectin; minus strand). Cytogenetic location: 8q24.3.
Variant type: single nucleotide variant.
Coding change: c.1846G>C on transcript NM_201384.3 (MANE Select); coding-DNA position 1846, G replaced by C.
Protein change: p.Glu616Gln; replaces glutamic acid 616 with glutamine.
Molecular consequence: missense variant.
Genome position (GRCh38, 1-based): chr8:143,932,531, C>G on the plus strand (G>C on the coding strand, the complement: PLEC is on the minus strand). VCF-style: chr8-143932531-C-G. GRCh37 (hg19) VCF-style: chr8-145006699-C-G.
Other names: c.1927G>C, p.Glu643Gln (NM_000445.5, NM_001410941.1); c.1804G>C, p.Glu602Gln (NM_201378.4); c.1780G>C, p.Glu594Gln (NM_201379.3); c.2257G>C, p.Glu753Gln (NM_201380.4); c.1750G>C, p.Glu584Gln (NM_201381.3); c.1846G>C, p.Glu616Gln (NM_201382.4); c.1858G>C, p.Glu620Gln (NM_201383.3); c.1927G>C (NM_000445.3); short protein forms E594Q, E616Q, E584Q, E602Q, E753Q, E620Q, E643Q.
Identifiers: ClinVar variation 2161059 (VCV002161059.5), dbSNP rs374446764, ClinGen allele CA4927817.